The following is an entry in ClinVar:

ClinVar aggregate classification (germline): Uncertain significance. Review status: criteria provided, multiple submitters, no conflicts (2 of 4 stars). 2 submissions from 2 submitters: Uncertain significance (2). Last evaluated 2023-02-23.

Conditions:
X-linked Emery-Dreifuss muscular dystrophy. Also called: Muscular dystrophy, tardive Emery-Dreifuss type, with contractures. Identifiers: Orphanet 261, Orphanet 98863, MedGen C0751337, MONDO:0010680.
Emery-Dreifuss muscular dystrophy 1, X-linked (EDMD1). Also called: Muscular dystrophy, tardive, Dreifuss-Emery type, with contractures; SCAPULOPERONEAL SYNDROME, X-LINKED; HUMEROPERONEAL NEUROMUSCULAR DISEASE; EMD-Related Emery-Dreifuss Muscular Dystrophy, X-Linked. Identifiers: MedGen CN375556, MONDO:0100531, OMIM 310300.

Allele frequency attached by ClinVar (database versions not stated): gnomAD exomes below 0.00001.

Submissions (2):

3billion
Classification: Uncertain significance for Emery-Dreifuss muscular dystrophy 1, X-linked. Last evaluated: 2023-02-23. Review status: criteria provided, single submitter. Criteria: ACMG Guidelines, 2015. Collection method: clinical testing. Allele origin: unknown. Affected: yes.
Comment: The variant is not observed in the gnomAD v2.1.1 dataset. Protein truncation variants are a common disease-causing mechanism. Therefore, this variant is classified as VUS according to the recommendation of ACMG/AMP guideline.

Revvity Omics, Revvity
Classification: Uncertain significance for Emery-Dreifuss muscular dystrophy 1, X-linked. Last evaluated: 2019-11-20. Review status: criteria provided, single submitter. Criteria: ACMG Guidelines, 2015. Collection method: clinical testing. Allele origin: germline.

NM_000117.3(EMD):c.553T>C (p.Ser185Pro)

Gene: EMD (emerin; plus strand). Cytogenetic location: Xq28.
Variant type: single nucleotide variant.
Coding change: c.553T>C on transcript NM_000117.3 (MANE Select); coding-DNA position 553, T replaced by C.
Protein change: p.Ser185Pro; replaces serine 185 with proline.
Molecular consequence: missense variant.
Genome position (GRCh38, 1-based): chrX:154,380,985, T>C. VCF-style: chrX-154380985-T-C. GRCh37 (hg19) VCF-style: chrX-153609345-T-C.
Other names: short protein forms S185P.
Identifiers: ClinVar variation 2441218 (VCV002441218.4), dbSNP rs2522790343, ClinGen allele CA415258807.